The following is an entry in ClinVar:

NM_004304.5(ALK):c.2263C>A (p.His755Asn)

Gene: ALK (ALK receptor tyrosine kinase; minus strand). Cytogenetic location: 2p23.2.
Variant type: single nucleotide variant.
Coding change: c.2263C>A on transcript NM_004304.5 (MANE Select); coding-DNA position 2263, C replaced by A.
Protein change: p.His755Asn; replaces histidine 755 with asparagine.
Molecular consequence: missense variant.
Genome position (GRCh38, 1-based): chr2:29,239,772, G>T on the plus strand (C>A on the coding strand, the complement: ALK is on the minus strand). VCF-style: chr2-29239772-G-T. GRCh37 (hg19) VCF-style: chr2-29462638-G-T.
Other names: p.His755Asn; short protein forms H755N.
Identifiers: ClinVar variation 470784 (VCV000470784.15), dbSNP rs925915337, ClinGen allele CA44642976.

ClinVar aggregate classification (germline): Conflicting classifications of pathogenicity. Review status: criteria provided, conflicting classifications (1 of 4 stars). 6 submissions from 6 submitters: Uncertain significance (5); Likely benign (1). Last evaluated 2026-01-28.

Conditions:
Neuroblastoma, susceptibility to, 3. Also called: ALK-Related Neuroblastic Tumor Susceptibility. Identifiers: Orphanet 635, MedGen C2751681, MONDO:0013083, OMIM 613014.
Hereditary cancer-predisposing syndrome. Also called: Hereditary neoplastic syndrome; Neoplastic Syndromes, Hereditary; Tumor predisposition; Hereditary Cancer Syndrome. Identifiers: Orphanet 140162, MedGen C0027672, MeSH D009386, MONDO:0015356.

Allele frequency attached by ClinVar (database versions not stated): gnomAD 0.00001 and 0.00002; gnomAD exomes 0.00001 and 0.00002; TOPMed 0.00005.
gnomAD v4.1: 16 of 1,613,904 alleles (0.00099%); highest among the groups gnomAD compares: Admixed American, 0.0067%; no homozygotes.

Submissions (6):

Labcorp Genetics (formerly Invitae), Labcorp
Classification: Uncertain significance for Neuroblastoma, susceptibility to, 3. Last evaluated: 2026-01-28. Review status: criteria provided, single submitter. Criteria: Invitae Variant Classification Sherloc (09022015). Collection method: clinical testing. Allele origin: germline.
Comment: This sequence change replaces histidine, which is basic and polar, with asparagine, which is neutral and polar, at codon 755 of the ALK protein (p.His755Asn). This variant is present in population databases (no rsID available, gnomAD 0.01%). This variant has not been reported in the literature in individuals affected with ALK-related conditions. ClinVar contains an entry for this variant (Variation ID: 470784). An algorithm developed to predict the effect of missense changes on protein structure and function (PolyPhen-2) suggests that this variant is likely to be tolerated. In summary, the available evidence is currently insufficient to determine the role of this variant in disease. Therefore, it has been classified as a Variant of Uncertain Significance.

Ambry Genetics
Classification: Likely benign for Hereditary cancer-predisposing syndrome. Last evaluated: 2025-09-04. Review status: criteria provided, single submitter. Criteria: Ambry Variant Classification Scheme 2023. Collection method: clinical testing. Allele origin: germline.

ARUP Laboratories, Molecular Genetics and Genomics, ARUP Laboratories
Classification: Uncertain significance for Neuroblastoma, susceptibility to, 3. Last evaluated: 2024-09-14. Review status: criteria provided, single submitter. Criteria: ARUP Molecular Germline Variant Investigation Process 2024. Collection method: clinical testing. Allele origin: germline.
Comment: The ALK c.2263C>A; p.His755Asn variant (rs925915337), to our knowledge, is not reported in the medical literature but is reported in ClinVar (Variation ID: 470784). This variant is found in the Admixed American population with an allele frequency of 0.01% (4/34578 alleles) in the Genome Aggregation Database (v2.1.1). Computational analyses are uncertain whether this variant is neutral or deleterious (REVEL: 0.153). Due to limited information, the clinical significance of this variant is uncertain at this time.

Mayo Clinic Laboratories, Mayo Clinic
Classification: Uncertain significance. Last evaluated: 2023-12-20. Review status: criteria provided, single submitter. Criteria: ACMG Guidelines, 2015. Collection method: clinical testing. Allele origin: germline. Observed: 1 variant allele.
Comment: BP4, PM2_moderate

Baylor Genetics
Classification: Uncertain significance for Neuroblastoma, susceptibility to, 3. Last evaluated: 2023-07-24. Review status: criteria provided, single submitter. Criteria: ACMG Guidelines, 2015. Collection method: clinical testing. Allele origin: unknown.

GeneDx
Classification: Uncertain significance. Last evaluated: 2023-05-01. Review status: criteria provided, single submitter. Criteria: GeneDx Variant Classification Process June 2021. Collection method: clinical testing. Allele origin: germline. Affected: yes.
Comment: Not observed at significant frequency in large population cohorts (gnomAD); In silico analysis supports that this missense variant has a deleterious effect on protein structure/function; Has not been previously published as pathogenic or benign to our knowledge